The following is an entry in ClinVar:

ClinVar aggregate classification (germline): Uncertain significance (1 of 4 stars; one submission).

Conditions:
Hereditary cancer-predisposing syndrome. Also called: Neoplastic Syndromes, Hereditary; Tumor predisposition; Hereditary neoplastic syndrome; Hereditary Cancer Syndrome. Identifiers: Orphanet 140162, MedGen C0027672, MeSH D009386, MONDO:0015356.

Submission:

Ambry Genetics
Classification: Uncertain significance for Hereditary cancer-predisposing syndrome. Last evaluated: 2026-07-07. Review status: criteria provided, single submitter. Criteria: Ambry Variant Classification Scheme 2023. Collection method: clinical testing. Allele origin: germline.
Comment: The p.G437A variant (also known as c.1310G>C), located in coding exon 9 of the FH gene, results from a G to C substitution at nucleotide position 1310. The glycine at codon 437 is replaced by alanine, an amino acid with similar properties. This amino acid position is conserved. In addition, this alteration is predicted to be deleterious by in silico analysis. Based on the available evidence, the clinical significance of this variant remains unclear.

NM_000143.4(FH):c.1310G>C (p.Gly437Ala)

Gene: FH (fumarate hydratase; minus strand). Cytogenetic location: 1q43.
Variant type: single nucleotide variant.
Coding change: c.1310G>C on transcript NM_000143.4 (MANE Select); coding-DNA position 1310, G replaced by C.
Protein change: p.Gly437Ala; replaces glycine 437 with alanine.
Molecular consequence: missense variant.
Genome position (GRCh38, 1-based): chr1:241,500,517, C>G on the plus strand (G>C on the coding strand, the complement: FH is on the minus strand). VCF-style: chr1-241500517-C-G. GRCh37 (hg19) VCF-style: chr1-241663817-C-G.
Other names: short protein forms G437A.
Identifiers: ClinVar variation 5021747 (VCV005021747.1).